The following is an entry in ClinVar:

NM_198506.5(LRIT3):c.1621_1626del (p.Ile541_Asp542del)

Gene: LRIT3 (leucine rich repeat, Ig-like and transmembrane domains 3; plus strand). Cytogenetic location: 4q25.
Variant type: Deletion.
Coding change: c.1621_1626del on transcript NM_198506.5 (MANE Select); coding-DNA positions 1621 to 1626, 6 bases deleted (ATAGAT; older notation c.1621_1626delATAGAT).
Protein change: p.Ile541_Asp542del.
Molecular consequence: inframe deletion.
Genome position (GRCh38, 1-based): chr4:109,870,370-109,870,375, ATAGAT deleted. VCF-style (leftmost placement, unchanged base first): chr4-109870369-CATAGAT-C. GRCh37 (hg19) VCF-style: chr4-110791525-CATAGAT-C.
Identifiers: ClinVar variation 1516429 (VCV001516429.6), dbSNP rs2125901726, ClinGen allele CA2573137961.

ClinVar aggregate classification (germline): Uncertain significance (1 of 4 stars; one submission).

Allele frequency attached by ClinVar (database versions not stated): gnomAD exomes below 0.00001.

Submission:

Labcorp Genetics (formerly Invitae), Labcorp
Classification: Uncertain significance. Last evaluated: 2025-09-08. Review status: criteria provided, single submitter. Criteria: Invitae Variant Classification Sherloc (09022015). Collection method: clinical testing. Allele origin: germline.
Comment: This variant, c.1621_1626del, results in the deletion of 2 amino acid(s) of the LRIT3 protein (p.Ile541_Asp542del), but otherwise preserves the integrity of the reading frame. This variant is not present in population databases (gnomAD no frequency). This variant has not been reported in the literature in individuals affected with LRIT3-related conditions. ClinVar contains an entry for this variant (Variation ID: 1516429). Experimental studies and prediction algorithms are not available or were not evaluated, and the functional significance of this variant is currently unknown. In summary, the available evidence is currently insufficient to determine the role of this variant in disease. Therefore, it has been classified as a Variant of Uncertain Significance.